The following is an entry in ClinVar:

ClinVar aggregate classification (germline): Uncertain significance. Review status: criteria provided, multiple submitters, no conflicts (2 of 4 stars). 2 submissions from 2 submitters: Uncertain significance (2). Last evaluated 2025-12-10.

Conditions:
Hereditary cancer-predisposing syndrome. Also called: Neoplastic Syndromes, Hereditary; Hereditary neoplastic syndrome; Tumor predisposition; Hereditary Cancer Syndrome. Identifiers: Orphanet 140162, MedGen C0027672, MeSH D009386, MONDO:0015356.
Renal cell carcinoma. Identifiers: Orphanet 217071, MedGen C0007134, MeSH D002292, MONDO:0005086, HP:0005584.

Allele frequency attached by ClinVar (database versions not stated): TOPMed below 0.00001; gnomAD 0.00001.
gnomAD v4.1: 1 of 1,613,354 alleles (0.000062%); highest among the groups gnomAD compares: Non-Finnish European, 0.000085%; no homozygotes.

Submissions (2):

Ambry Genetics
Classification: Uncertain significance for Hereditary cancer-predisposing syndrome. Last evaluated: 2025-12-10. Review status: criteria provided, single submitter. Criteria: Ambry Variant Classification Scheme 2023. Collection method: clinical testing. Allele origin: germline.
Comment: The p.Q328R variant (also known as c.983A>G), located in coding exon 1 of the MET gene, results from an A to G substitution at nucleotide position 983. The glutamine at codon 328 is replaced by arginine, an amino acid with highly similar properties. This amino acid position is not well conserved in available vertebrate species. In addition, this alteration is predicted to be tolerated by in silico analysis. Since supporting evidence is limited at this time, the clinical significance of this alteration remains unclear.

Labcorp Genetics (formerly Invitae), Labcorp
Classification: Uncertain significance for Renal cell carcinoma. Last evaluated: 2021-06-07. Review status: criteria provided, single submitter. Criteria: Invitae Variant Classification Sherloc (09022015). Collection method: clinical testing. Allele origin: germline.
Comment: In summary, the available evidence is currently insufficient to determine the role of this variant in disease. Therefore, it has been classified as a Variant of Uncertain Significance. Algorithms developed to predict the effect of missense changes on protein structure and function (SIFT, PolyPhen-2, Align-GVGD) all suggest that this variant is likely to be tolerated, but these predictions have not been confirmed by published functional studies and their clinical significance is uncertain. This variant has not been reported in the literature in individuals with MET-related disease. This variant is not present in population databases (ExAC no frequency). This sequence change replaces glutamine with arginine at codon 328 of the MET protein (p.Gln328Arg). The glutamine residue is weakly conserved and there is a small physicochemical difference between glutamine and arginine.

NM_000245.4(MET):c.983A>G (p.Gln328Arg)

Gene: MET (MET proto-oncogene, receptor tyrosine kinase; plus strand). Cytogenetic location: 7q31.2.
Variant type: single nucleotide variant.
Coding change: c.983A>G on transcript NM_000245.4 (MANE Select); coding-DNA position 983, A replaced by G.
Protein change: p.Gln328Arg; replaces glutamine 328 with arginine.
Molecular consequence: missense variant. On other transcripts: intron variant (1).
Genome position (GRCh38, 1-based): chr7:116,700,067, A>G. VCF-style: chr7-116700067-A-G. GRCh37 (hg19) VCF-style: chr7-116340121-A-G.
Other names: c.983A>G, p.Gln328Arg (NM_001127500.3, NM_001324401.3); c.-91+27490A>G (NM_001324402.2); short protein forms Q328R.
Identifiers: ClinVar variation 524895 (VCV000524895.14), dbSNP rs1165913241, ClinGen allele CA368970285.